The following is an entry in ClinVar:

NM_001378454.1(ALMS1):c.5433G>C (p.Lys1811Asn)

Gene: ALMS1 (ALMS1 centrosome and basal body associated protein; plus strand). Cytogenetic location: 2p13.1.
Variant type: single nucleotide variant.
Coding change: c.5433G>C on transcript NM_001378454.1 (MANE Select); coding-DNA position 5433, G replaced by C.
Protein change: p.Lys1811Asn; replaces lysine 1811 with asparagine.
Molecular consequence: missense variant.
Genome position (GRCh38, 1-based): chr2:73,451,960, G>C. VCF-style: chr2-73451960-G-C. GRCh37 (hg19) VCF-style: chr2-73679087-G-C.
Other names: c.5436G>C, p.Lys1812Asn (NM_015120.4); short protein forms K1812N, K1811N.
Identifiers: ClinVar variation 241002 (VCV000241002.28), dbSNP rs78039319, ClinGen allele CA1713883.
Genomic context (GRCh38, chr2:73,451,960, plus strand): 5'-AGCTGACCAGAAGACTGGGGTATCAACAGTAACCTCTACTTCCTACTCACACAGAGAGAA[G>C]CCCATTGTTTCCTACCAGCGAGAGTTGCCGCATTTTACTGAAGCAGGTTTGAAAATTTTA-3'
Protein context (NP_001365383.1, residues 1801-1821): VTSTSYSHRE[Lys1811Asn]PIVSYQRELP

ClinVar aggregate classification (germline): Conflicting classifications of pathogenicity. Review status: criteria provided, conflicting classifications (1 of 4 stars). 10 submissions from 10 submitters: Uncertain significance (1); Benign (6). 3 of the submissions do not count toward it. Last evaluated 2026-02-03.

Conditions:
Monogenic diabetes. Identifiers: Orphanet 183625, MedGen C3888631, MONDO:0015967.
Cardiovascular phenotype. Identifiers: MedGen CN230736.
Alstrom syndrome (ALMS). Identifiers: Orphanet 64, MedGen C0268425, MONDO:0008763, OMIM 203800.

Allele frequency attached by ClinVar (database versions not stated): gnomAD exomes 0.00244; ExAC 0.00287; gnomAD 0.00994 and 0.01071; ESP Exome Variant Server 0.01015; 1000 Genomes Project 0.01038; 1000 Genomes Project 30x 0.01109; TOPMed 0.01114.
gnomAD v4.1: 2,854 of 1,613,584 alleles (0.18%); highest among the groups gnomAD compares: African/African-American, 3.3%; 45 homozygotes.

Submissions (10):

Labcorp Genetics (formerly Invitae), Labcorp
Classification: Benign for Alstrom syndrome. Last evaluated: 2026-02-03. Review status: criteria provided, single submitter. Criteria: Invitae Variant Classification Sherloc (09022015). Collection method: clinical testing. Allele origin: germline.

ARUP Laboratories, Molecular Genetics and Genomics, ARUP Laboratories
Classification: Benign for Alstrom syndrome. Last evaluated: 2025-05-14. Review status: criteria provided, single submitter. Criteria: ARUP Molecular Germline Variant Investigation Process 2024. Collection method: clinical testing. Allele origin: germline.

Personalized Diabetes Medicine Program, University of Maryland School of Medicine
Classification: Benign for Monogenic diabetes. Last evaluated: 2019-02-15. Review status: criteria provided, single submitter. Criteria: ACMG Guidelines, 2015. Collection method: research. Allele origin: unknown. Observed: 9 variant alleles, 9 heterozygotes.
Comment: ACMG criteria: BP4 (REVEL 0.049 + 6 predictors; not using PP3 (2 predictors)), BP1 (missense when truncating cause ds), BS2 (18 homozygotes in gnomAD), BA1 (3.4% MAF in gnomAD African): Benign ( ALMS1 p.P2184S and p.K1810N are likely in LD)

Ambry Genetics
Classification: Benign for Cardiovascular phenotype. Last evaluated: 2019-01-07. Review status: criteria provided, single submitter. Criteria: Ambry Variant Classification Scheme 2023. Collection method: clinical testing. Allele origin: germline.

GeneDx
Classification: Benign. Last evaluated: 2016-12-05. Review status: criteria provided, single submitter. Criteria: GeneDx Variant Classification (06012015). Collection method: clinical testing. Allele origin: germline. Affected: yes.
Comment: This variant is considered likely benign or benign based on one or more of the following criteria: it is a conservative change, it occurs at a poorly conserved position in the protein, it is predicted to be benign by multiple in silico algorithms, and/or has population frequency not consistent with disease.

Laboratory for Molecular Medicine, Mass General Brigham Personalized Medicine
Classification: Benign. Last evaluated: 2016-03-21. Review status: criteria provided, single submitter. Criteria: LMM Criteria. Collection method: clinical testing. Allele origin: germline. Observed: 2 variant alleles.
Comment: p.Lys1810Asn in exon 8 of ALMS1: This variant is not expected to have clinical s ignificance because it has been identified in 3.30% (320/9702) of African chromo somes by the Exome Aggregation Consortium (ExAC; dbSNP rs78039319).

Clinical Genomics, Uppaluri K&H Personalized Medicine Clinic
Classification: Uncertain significance for Alstrom syndrome. Review status: criteria provided, single submitter. Criteria: K & H Uppaluri Personalized Medicine Clinic Variant Classification & Assertion Criteria_Updated V.1. Collection method: research. Allele origin: unknown. Inheritance: Autosomal recessive inheritance.
Comment: Potent mutations in ALMS1 are associated with a rare condition called Alstrom syndrome. It can cause excessive eating, insulin resistance. However, no evidence is found to ascertain the role of rs78039319 in Alstrom syndrome yet.

Natera, Inc.
Classification: Benign for Alstrom syndrome. Last evaluated: 2020-09-16. Review status: no assertion criteria provided. Collection method: clinical testing. Allele origin: germline. Not counted in ClinVar's aggregate classification.

Genome Diagnostics Laboratory, University Medical Center Utrecht
Classification: Benign. Review status: no assertion criteria provided. Collection method: clinical testing. Allele origin: germline. Affected: yes. Study: VKGL Data-share Consensus. Not counted in ClinVar's aggregate classification.

Laboratory of Diagnostic Genome Analysis, Leiden University Medical Center (LUMC)
Classification: Likely benign. Review status: no assertion criteria provided. Collection method: clinical testing. Allele origin: germline. Affected: yes. Study: VKGL Data-share Consensus. Not counted in ClinVar's aggregate classification.

Literature cited by the submitters: PubMed 34148947 (cited by Clinical Genomics, Uppaluri K&H Personalized Medicine Clinic); PubMed 25846608 (cited by Clinical Genomics, Uppaluri K&H Personalized Medicine Clinic); PubMed 30421101 (cited by Clinical Genomics, Uppaluri K&H Personalized Medicine Clinic); PubMed 33669459 (cited by Clinical Genomics, Uppaluri K&H Personalized Medicine Clinic).